The following is an entry in ClinVar:

ClinVar aggregate classification (germline): Uncertain significance (1 of 4 stars; one submission).

Allele frequency attached by ClinVar (database versions not stated): TOPMed below 0.00001.

Submission:

Labcorp Genetics (formerly Invitae), Labcorp
Classification: Uncertain significance. Last evaluated: 2025-03-31. Review status: criteria provided, single submitter. Criteria: Invitae Variant Classification Sherloc (09022015). Collection method: clinical testing. Allele origin: germline.
Comment: This sequence change replaces methionine, which is neutral and non-polar, with valine, which is neutral and non-polar, at codon 659 of the MERTK protein (p.Met659Val). This variant is not present in population databases (gnomAD no frequency). This variant has not been reported in the literature in individuals affected with MERTK-related conditions. ClinVar contains an entry for this variant (Variation ID: 1522688). Invitae Evidence Modeling of protein sequence and biophysical properties (such as structural, functional, and spatial information, amino acid conservation, physicochemical variation, residue mobility, and thermodynamic stability) indicates that this missense variant is not expected to disrupt MERTK protein function with a negative predictive value of 80%. In summary, the available evidence is currently insufficient to determine the role of this variant in disease. Therefore, it has been classified as a Variant of Uncertain Significance.

NM_006343.3(MERTK):c.1975A>G (p.Met659Val)

Gene: MERTK (MER proto-oncogene, tyrosine kinase; plus strand). Cytogenetic location: 2q13.
Variant type: single nucleotide variant.
Coding change: c.1975A>G on transcript NM_006343.3 (MANE Select); coding-DNA position 1975, A replaced by G.
Protein change: p.Met659Val; replaces methionine 659 with valine.
Molecular consequence: missense variant.
Genome position (GRCh38, 1-based): chr2:112,009,962, A>G. VCF-style: chr2-112009962-A-G. GRCh37 (hg19) VCF-style: chr2-112767539-A-G.
Other names: short protein forms M659V.
Identifiers: ClinVar variation 1522688 (VCV001522688.8), dbSNP rs1374925525, ClinGen allele CA348233997.